The following is an entry in ClinVar:

ClinVar aggregate classification (germline): Uncertain significance (1 of 4 stars; one submission).

Allele frequency attached by ClinVar (database versions not stated): gnomAD exomes 0.00001.
gnomAD v4.1: 5 of 1,611,868 alleles (0.00031%); highest among the groups gnomAD compares: Non-Finnish European, 0.00042%; no homozygotes.

Submission:

Women's Health and Genetics/Laboratory Corporation of America, LabCorp
Classification: Uncertain significance. Last evaluated: 2024-04-19. Review status: criteria provided, single submitter. Criteria: LabCorp Variant Classification Summary - May 2015. Collection method: clinical testing. Allele origin: germline.
Comment: Variant summary: CFHR5 c.695T>C (p.Val232Ala) results in a non-conservative amino acid change located in the 4th Sushi/SCR/CCP repeat domain (IPR000436) of the encoded protein sequence. Three of five in-silico tools predict a benign effect of the variant on protein function. The variant was absent in 251092 control chromosomes (gnomAD v2.1). The available data on variant occurrences in the general population are insufficient to allow any conclusion about variant significance. To our knowledge, no occurrence of c.695T>C in individuals affected with CFHR5 Deficiency and no experimental evidence demonstrating its impact on protein function have been reported. No submitters have cited clinical-significance assessments for this variant to ClinVar. Based on the evidence outlined above, the variant was classified as uncertain significance.

NM_030787.4(CFHR5):c.695T>C (p.Val232Ala)

Gene: CFHR5 (complement factor H related 5; plus strand). Cytogenetic location: 1q31.3.
Variant type: single nucleotide variant.
Coding change: c.695T>C on transcript NM_030787.4 (MANE Select); coding-DNA position 695, T replaced by C.
Protein change: p.Val232Ala; replaces valine 232 with alanine.
Molecular consequence: missense variant.
Genome position (GRCh38, 1-based): chr1:196,995,804, T>C. VCF-style: chr1-196995804-T-C. GRCh37 (hg19) VCF-style: chr1-196964934-T-C.
Other names: short protein forms V232A.
Identifiers: ClinVar variation 3251830 (VCV003251830.1), dbSNP rs2526948213.